The following is an entry in ClinVar:

ClinVar aggregate classification (germline): Benign/Likely benign. Review status: criteria provided, multiple submitters, no conflicts (2 of 4 stars). 7 submissions from 7 submitters: Benign (6); Likely benign (1). Last evaluated 2026-02-03.

Conditions:
Nystagmus 1, congenital, X-linked. Also called: NYSTAGMUS, INFANTILE PERIODIC ALTERNATING, X-LINKED; FRMD7-Related Infantile Nystagmus; NYSTAGMUS 1, INFANTILE, X-LINKED; NYSTAGMUS, CONGENITAL MOTOR, 1; NYSTAGMUS, INFANTILE IDIOPATHIC. Identifiers: MedGen C1839580, MONDO:0010693, OMIM 310700.

Allele frequency attached by ClinVar (database versions not stated): gnomAD exomes 0.04408; ExAC 0.04813; 1000 Genomes Project 0.05695; 1000 Genomes Project 30x 0.05952; gnomAD 0.06402 and 0.06625; TOPMed 0.06633; ESP Exome Variant Server 0.07261.

Submissions (7):

Labcorp Genetics (formerly Invitae), Labcorp
Classification: Benign. Last evaluated: 2026-02-03. Review status: criteria provided, single submitter. Criteria: Invitae Variant Classification Sherloc (09022015). Collection method: clinical testing. Allele origin: germline.

Blueprint Genetics
Classification: Likely benign. Last evaluated: 2024-11-28. Review status: criteria provided, single submitter. Criteria: ACMG Guidelines, 2015. Collection method: clinical testing. Allele origin: germline.

GeneDx
Classification: Benign. Last evaluated: 2021-05-05. Review status: criteria provided, single submitter. Criteria: GeneDx Variant Classification Process June 2021. Collection method: clinical testing. Allele origin: germline. Affected: yes.

Mendelics
Classification: Benign for Nystagmus 1, congenital, X-linked. Last evaluated: 2019-05-28. Review status: criteria provided, single submitter. Criteria: Mendelics Assertion Criteria 2017. Collection method: clinical testing. Allele origin: unknown.

Illumina Laboratory Services, Illumina
Classification: Benign for Nystagmus 1, congenital, X-linked. Last evaluated: 2018-01-13. Review status: criteria provided, single submitter. Criteria: ICSL Variant Classification Criteria 13 December 2019. Collection method: clinical testing. Allele origin: germline.
Comment: This variant was observed in the ICSL laboratory as part of a predisposition screen in an ostensibly healthy population. It had not been previously curated by ICSL or reported in the Human Gene Mutation Database (HGMD: prior to June 1st, 2018), and was therefore a candidate for classification through an automated scoring system. Utilizing variant allele frequency, disease prevalence and penetrance estimates, and inheritance mode, an automated score was calculated to assess if this variant is too frequent to cause the disease. Based on the score and internal cut-off values, a variant classified as benign is not then subjected to further curation. The score for this variant resulted in a classification of benign for this disease.

Breakthrough Genomics
Classification: Benign. Review status: criteria provided, single submitter. Criteria: ACMG Guidelines, 2015. Collection method: not provided. Allele origin: germline. Inheritance: X-linked inheritance. Affected: yes.

PreventionGenetics, part of Exact Sciences
Classification: Benign. Review status: criteria provided, single submitter. Criteria: ACMG Guidelines, 2015. Collection method: clinical testing. Allele origin: germline.

NM_194277.3(FRMD7):c.842C>T (p.Ser281Leu)

Gene: FRMD7 (FERM domain containing 7; minus strand). Cytogenetic location: Xq26.2.
Variant type: single nucleotide variant.
Coding change: c.842C>T on transcript NM_194277.3 (MANE Select); coding-DNA position 842, C replaced by T.
Protein change: p.Ser281Leu; replaces serine 281 with leucine.
Molecular consequence: missense variant.
Genome position (GRCh38, 1-based): chrX:132,082,426, G>A on the plus strand (C>T on the coding strand, the complement: FRMD7 is on the minus strand). VCF-style: chrX-132082426-G-A. GRCh37 (hg19) VCF-style: chrX-131216454-G-A.
Other names: c.797C>T, p.Ser266Leu (NM_001306193.2); short protein forms S281L, S266L.
Identifiers: ClinVar variation 263090 (VCV000263090.19), dbSNP rs5977625, ClinGen allele CA10518973.
Genomic context (GRCh38, chrX:132,082,426, plus strand): 5'-TAGCGGAAACTGGAACCCTTGCTGCAGAGTAGGGTTTTGGGCTTTGATTTGGGCTCTTCC[G>A]AAAGCCTGAAGAAAGCATGGTATTCCACACAAGTCTTCCAGAAAGCCTTGCAGGCATCTC-3'
Protein context (NP_919253.1, residues 271-291): CVEYHAFFRL[Ser281Leu]EEPKSKPKTL